The following is an entry in ClinVar:

ClinVar aggregate classification (germline): Conflicting classifications of pathogenicity. Review status: criteria provided, conflicting classifications (1 of 4 stars). 20 submissions from 16 submitters: Pathogenic (1); Benign (14); Likely benign (2). 3 of the submissions do not count toward it. Last evaluated 2026-06-01.

Conditions:
Intellectual developmental disorder, X-linked 111 (XLID111). Identifiers: MedGen C5829568, MONDO:0957203, OMIM 301107.
Hereditary spherocytosis type 1. Also called: Spherocytosis type 1; ANK1-Related Spherocytosis. Identifiers: Orphanet 822, MedGen C2674218, MONDO:0008447, OMIM 182900.
Elliptocytosis 2 (EL2). Also called: ELLIPTOCYTOSIS, RHESUS-UNLINKED TYPE. Identifiers: Orphanet 288, MedGen C1851741, MONDO:0007533, OMIM 130600.
Hereditary spherocytosis type 3. Also called: SPTA1-Related Spherocytosis; Spherocytosis type 3. Identifiers: Orphanet 822, MedGen C2678338, MONDO:0010053, OMIM 270970.
Pyropoikilocytosis, hereditary. Also called: Pyropoikilocytosis. Identifiers: MedGen C0520739, MONDO:0009948, OMIM 266140, HP:0004839. Disease mechanism: loss of function.
Hemolytic anemia. Identifiers: MedGen C0002878, MONDO:0003664, HP:0001878.

Allele frequency attached by ClinVar (database versions not stated): 1000 Genomes Project 30x 0.22736; 1000 Genomes Project 0.22784; TOPMed 0.24241; ESP Exome Variant Server 0.24954; gnomAD 0.25367 and 0.25425.
gnomAD v4.1: 436,469 of 1,609,240 alleles (27%); highest among the groups gnomAD compares: Non-Finnish European, 28%; 60,931 homozygotes.

Submissions (22):

Department of Clinical Laboratory, Shenzhen Children's Hospital
Classification: Benign for Hereditary spherocytosis type 1. Last evaluated: 2026-06-01. Review status: criteria provided, single submitter. Criteria: ACMG Guidelines, 2015. Collection method: clinical testing. Allele origin: germline. Affected: yes. Observed: 1 variant allele.
Comment: ACMG criteria: BA1+BP4. This is the alphaLELY (low-expression allele) variant, p.Leu1858Val in spectrin repeat 18. gnomAD allele frequency 0.254537, exceeding BA1 threshold (>0.05). This allele reduces functional alpha-spectrin production and acts as a phenotypic modifier when inherited in trans with a pathogenic variant.

Labcorp Genetics (formerly Invitae), Labcorp
Classification: Benign. Last evaluated: 2026-02-01. Review status: criteria provided, single submitter. Criteria: Invitae Variant Classification Sherloc (09022015). Collection method: clinical testing. Allele origin: germline.

ARUP Laboratories, Molecular Genetics and Genomics, ARUP Laboratories
Classification: Benign. Last evaluated: 2025-06-10. Review status: criteria provided, single submitter. Criteria: ARUP Molecular Germline Variant Investigation Process 2024. Collection method: clinical testing. Allele origin: germline.

Blueprint Genetics
Classification: Likely benign. Last evaluated: 2024-11-26. Review status: criteria provided, single submitter. Criteria: ACMG Guidelines, 2015. Collection method: clinical testing. Allele origin: germline.

Johns Hopkins Genomics, Johns Hopkins University
Classification: Benign for Intellectual developmental disorder, X-linked 111. Last evaluated: 2024-09-24. Review status: criteria provided, single submitter. Criteria: ACMG Guidelines, 2015. Collection method: clinical testing. Allele origin: germline.
Comment: c.5572C>G in SPTA1 (rs3737515) reaches polymorphic frequency (>1%) in a large population dataset (gnomAD v4.1.0: 436469/1609240 alleles; 27.1%, 60931 homozygotes) and has been reported in ClinVar (Variation ID 258948). Based on this population frequency alone, c.5572C>G is considered to be benign. c.5572C>G is known to co-occur with c.6531-12C>T on the same chromosome copy, and this complex allele is called the alpha LELY allele. Alpha LELY has been shown to result in partial skipping of exon 466 and has been reported in trans with a pathogenic or likely pathogenic SPTA1 variant in multiple patients with hereditary elliptocytosis and pyropoikilocytosis. Therefore, while we consider alpha LELY to be benign in the heterozygous state, its role as a modifier of SPTA1-related disorders when occurring in the compound heterozygous state with a pathogenic or likely pathogenic SPTA1 variant is not ruled out.

Department of Pathology and Laboratory Medicine, Sinai Health System
Classification: Benign for Elliptocytosis 2; Pyropoikilocytosis, hereditary; Hereditary spherocytosis type 3. Last evaluated: 2023-04-17. Review status: criteria provided, single submitter. Criteria: ACMG Guidelines, 2015. Collection method: research. Allele origin: germline.

CeGaT Center for Human Genetics Tuebingen
Classification: Pathogenic. Last evaluated: 2021-10-01. Review status: criteria provided, single submitter. Criteria: CeGaT Center For Human Genetics Tuebingen Variant Classification Criteria Version 2. Collection method: clinical testing. Allele origin: germline. Affected: yes. Observed: 1 variant allele.

Genome-Nilou Lab
Classification: Benign for Pyropoikilocytosis, hereditary. Last evaluated: 2021-07-15. Review status: criteria provided, single submitter. Criteria: ACMG Guidelines, 2015. Collection method: clinical testing. Allele origin: germline. Affected: no.

Genome-Nilou Lab
Classification: Benign for Hereditary spherocytosis type 3. Last evaluated: 2021-07-15. Review status: criteria provided, single submitter. Criteria: ACMG Guidelines, 2015. Collection method: clinical testing. Allele origin: germline. Affected: no.

Genome-Nilou Lab
Classification: Benign for Elliptocytosis 2. Last evaluated: 2021-07-15. Review status: criteria provided, single submitter. Criteria: ACMG Guidelines, 2015. Collection method: clinical testing. Allele origin: germline. Affected: no.

GeneDx
Classification: Benign. Last evaluated: 2021-06-28. Review status: criteria provided, single submitter. Criteria: GeneDx Variant Classification Process June 2021. Collection method: clinical testing. Allele origin: germline. Affected: yes.
Comment: Commonly referred to as the AlphaLELY allele when is cis with c.6531-12C>T, a low expression allele that results in partial skipping of exon 46 and expression of hereditary elliptocytosis when in trans with a pathogenic SPTA1 variant (Wilmotte et al., 1999); Observed with c.6531-12C>T multiple times with a variant on the opposite allele (in trans) in unrelated patients with hereditary pyropoikilocytosis or hereditary elliptocytosis in the published literature; is reported to result in more severe disease when in trans with a pathogenic variant (Niss et al., 2016; Ma et al., 2018; Aggarwal et al., 2020); This variant is associated with the following publications: (PMID: 32287101, 32581362, 31602632, 10192450)

Illumina Laboratory Services, Illumina
Classification: Benign for Hereditary spherocytosis type 3. Last evaluated: 2018-01-12. Review status: criteria provided, single submitter. Criteria: ICSL Variant Classification Criteria 13 December 2019. Collection method: clinical testing. Allele origin: germline.
Comment: This variant was observed in the ICSL laboratory as part of a predisposition screen in an ostensibly healthy population. It had not been previously curated by ICSL or reported in the Human Gene Mutation Database (HGMD: prior to June 1st, 2018), and was therefore a candidate for classification through an automated scoring system. Utilizing variant allele frequency, disease prevalence and penetrance estimates, and inheritance mode, an automated score was calculated to assess if this variant is too frequent to cause the disease. Based on the score and internal cut-off values, a variant classified as benign is not then subjected to further curation. The score for this variant resulted in a classification of benign for this disease.

Illumina Laboratory Services, Illumina
Classification: Benign for Elliptocytosis 2. Last evaluated: 2018-01-12. Review status: criteria provided, single submitter. Criteria: ICSL Variant Classification Criteria 13 December 2019. Collection method: clinical testing. Allele origin: germline.
Comment: the same text as in the submission from Illumina Laboratory Services, Illumina above.

Illumina Laboratory Services, Illumina
Classification: Benign for Pyropoikilocytosis, hereditary. Last evaluated: 2018-01-12. Review status: criteria provided, single submitter. Criteria: ICSL Variant Classification Criteria 13 December 2019. Collection method: clinical testing. Allele origin: germline.
Comment: the same text as in the submission from Illumina Laboratory Services, Illumina above.

Mayo Clinic Laboratories, Mayo Clinic
Classification: Benign. Last evaluated: 2016-04-16. Review status: criteria provided, single submitter. Criteria: ACMG Guidelines, 2015. Collection method: clinical testing. Allele origin: germline. Observed: 1,097 variant alleles.

Breakthrough Genomics
Classification: Likely benign. Review status: criteria provided, single submitter. Criteria: ACMG Guidelines, 2015. Collection method: not provided. Allele origin: germline. Inheritance: Autosomal recessive inheritance. Affected: yes.

PreventionGenetics, part of Exact Sciences
Classification: Benign. Review status: criteria provided, single submitter. Criteria: ACMG Guidelines, 2015. Collection method: clinical testing. Allele origin: germline.

Diagnostic Laboratory, Department of Genetics, University Medical Center Groningen
Classification: Benign. Review status: no assertion criteria provided. Collection method: clinical testing. Allele origin: germline. Affected: yes. Study: VKGL Data-share Consensus. Not counted in ClinVar's aggregate classification.

Dr. Peter K. Rogan Lab, Western University
No classification provided (evidence only). Condition: Malignant lymphoma, large B-cell, diffuse. Review status: no classification provided. Collection method: in vitro. Allele origin: not applicable. Functional consequence: retained intron. Not counted in ClinVar's aggregate classification.

Dr. Peter K. Rogan Lab, Western University
No classification provided (evidence only). Condition: Malignant lymphoma, large B-cell, diffuse. Review status: no classification provided. Collection method: in vitro. Allele origin: not applicable. Functional consequence: retained intron. Not counted in ClinVar's aggregate classification.

Genome Diagnostics Laboratory, University Medical Center Utrecht
Classification: Benign. Review status: no assertion criteria provided. Collection method: clinical testing. Allele origin: germline. Affected: yes. Study: VKGL Data-share Consensus. Not counted in ClinVar's aggregate classification.

NIHR Bioresource Rare Diseases, University of Cambridge
Classification: Likely pathogenic for Hemolytic anemia. Review status: no assertion criteria provided. Collection method: research. Allele origin: unknown. Affected: yes. Observed: 2 variant alleles. Not counted in ClinVar's aggregate classification.

Literature cited by the submitters: PubMed 27667160 (cited by Johns Hopkins Genomics, Johns Hopkins University); PubMed 29484404 (cited by Johns Hopkins Genomics, Johns Hopkins University); PubMed 30198572 (cited by Johns Hopkins Genomics, Johns Hopkins University); PubMed 34553410 (cited by Johns Hopkins Genomics, Johns Hopkins University); PubMed 35638908 (cited by Johns Hopkins Genomics, Johns Hopkins University); PubMed 37400730 (cited by Johns Hopkins Genomics, Johns Hopkins University); PubMed 7646993 (cited by Johns Hopkins Genomics, Johns Hopkins University); PubMed 8844207 (cited by Johns Hopkins Genomics, Johns Hopkins University); PubMed 32581362 (cited by NIHR Bioresource Rare Diseases, University of Cambridge).

NM_003126.4(SPTA1):c.5572C>G (p.Leu1858Val)

Gene: SPTA1 (spectrin alpha, erythrocytic 1; minus strand). Cytogenetic location: 1q23.1.
Variant type: single nucleotide variant.
Coding change: c.5572C>G on transcript NM_003126.4 (MANE Select); coding-DNA position 5572, C replaced by G.
Protein change: p.Leu1858Val; replaces leucine 1858 with valine.
Molecular consequence: missense variant.
Genome position (GRCh38, 1-based): chr1:158,627,717, G>C on the plus strand (C>G on the coding strand, the complement: SPTA1 is on the minus strand). VCF-style: chr1-158627717-G-C. GRCh37 (hg19) VCF-style: chr1-158597507-G-C.
Other names: short protein forms L1858V.
Identifiers: ClinVar variation 258948 (VCV000258948.65), dbSNP rs3737515, ClinGen allele CA1182251.